The following is an entry in ClinVar:

NM_001232.4(CASQ2):c.865A>G (p.Lys289Glu)

Gene: CASQ2 (calsequestrin 2; minus strand). Cytogenetic location: 1p13.1.
Variant type: single nucleotide variant.
Coding change: c.865A>G on transcript NM_001232.4 (MANE Select); coding-DNA position 865, A replaced by G.
Protein change: p.Lys289Glu; replaces lysine 289 with glutamic acid.
Molecular consequence: missense variant.
Genome position (GRCh38, 1-based): chr1:115,705,266, T>C on the plus strand (A>G on the coding strand, the complement: CASQ2 is on the minus strand). VCF-style: chr1-115705266-T-C. GRCh37 (hg19) VCF-style: chr1-116247887-T-C.
Other names: short protein forms K289E.
Identifiers: ClinVar variation 1920886 (VCV001920886.5), dbSNP rs2464840848, ClinGen allele CA341766889.

ClinVar aggregate classification (germline): Uncertain significance (1 of 4 stars; one submission).

Conditions:
Catecholaminergic polymorphic ventricular tachycardia 1. Also called: RYR2-Related Catecholaminergic Polymorphic Ventricular Tachycardia; VENTRICULAR TACHYCARDIA, CATECHOLAMINERGIC POLYMORPHIC, 1, WITH OR WITHOUT ATRIAL DYSFUNCTION AND/OR DILATED CARDIOMYOPATHY; VENTRICULAR TACHYCARDIA, STRESS-INDUCED POLYMORPHIC 1. Identifiers: Orphanet 3286, MedGen C1631597, MONDO:0011484, OMIM 604772.

Allele frequency attached by ClinVar (database versions not stated): gnomAD exomes below 0.00001.
gnomAD v4.1: 1 of 1,613,882 alleles (0.000062%); highest among the groups gnomAD compares: Non-Finnish European, 0.000085%; no homozygotes.

Submission:

Labcorp Genetics (formerly Invitae), Labcorp
Classification: Uncertain significance for Catecholaminergic polymorphic ventricular tachycardia 1. Last evaluated: 2022-03-18. Review status: criteria provided, single submitter. Criteria: Invitae Variant Classification Sherloc (09022015). Collection method: clinical testing. Allele origin: germline.
Comment: This sequence change replaces lysine, which is basic and polar, with glutamic acid, which is acidic and polar, at codon 289 of the CASQ2 protein (p.Lys289Glu). This variant is not present in population databases (gnomAD no frequency). This variant has not been reported in the literature in individuals affected with CASQ2-related conditions. Algorithms developed to predict the effect of missense changes on protein structure and function are either unavailable or do not agree on the potential impact of this missense change (SIFT: "Tolerated"; PolyPhen-2: "Probably Damaging"; Align-GVGD: "Class C0"). In summary, the available evidence is currently insufficient to determine the role of this variant in disease. Therefore, it has been classified as a Variant of Uncertain Significance.